The following is an entry in ClinVar:

NM_004304.5(ALK):c.2816-6_2823delinsGCAGA

Gene: ALK (ALK receptor tyrosine kinase; minus strand). Cytogenetic location: 2p23.2.
Variant type: Indel.
Coding change: c.2816-6_2823delinsGCAGA on transcript NM_004304.5 (MANE Select); 6 bases into the intron before coding-DNA position 2816 through coding-DNA position 2823, ACTCAGGCGGCAAT replaced by GCAGA.
Molecular consequence: splice acceptor variant.
Genome position (GRCh38, 1-based): chr2:29,227,665-29,227,678, ATTGCCGCCTGAGT replaced by TCTGC on the plus strand (ACTCAGGCGGCAAT replaced by GCAGA on the coding strand, the reverse complement: ALK is on the minus strand). VCF-style: chr2-29227665-ATTGCCGCCTGAGT-TCTGC. GRCh37 (hg19) VCF-style: chr2-29450531-ATTGCCGCCTGAGT-TCTGC.
Identifiers: ClinVar variation 3855425 (VCV003855425.1).

ClinVar aggregate classification (germline): Uncertain significance (1 of 4 stars; one submission).

Conditions:
Hereditary cancer-predisposing syndrome. Also called: Hereditary neoplastic syndrome; Neoplastic Syndromes, Hereditary; Tumor predisposition; Hereditary Cancer Syndrome. Identifiers: Orphanet 140162, MedGen C0027672, MeSH D009386, MONDO:0015356.

Submission:

Ambry Genetics
Classification: Uncertain significance for Hereditary cancer-predisposing syndrome. Last evaluated: 2025-01-24. Review status: criteria provided, single submitter. Criteria: Ambry Variant Classification Scheme 2023. Collection method: clinical testing. Allele origin: germline.
Comment: The c.2816-6_2823del14insGCAGA variant results from a deletion of 14 nucleotides and insertion of 5 nucleotides between positions 2816-6 and 2823 and involves the canonical splice acceptor site before coding exon 17 of the ALK gene. In silico splice site analysis predicts that this alteration will weaken the native splice acceptor site and may result in the creation or strengthening of a novel splice acceptor site. The canonical splice acceptor site is highly conserved in available vertebrate species. Based on the available evidence, the clinical significance of this variant remains unclear.